The following is an entry in ClinVar:

NM_001999.4(FBN2):c.*733T>A

Gene: FBN2 (fibrillin 2; minus strand). Cytogenetic location: 5q23.3.
Variant type: single nucleotide variant.
Coding change: c.*733T>A on transcript NM_001999.4 (MANE Select); 733 bases downstream of the stop codon, T replaced by A.
Molecular consequence: 3 prime UTR variant.
Genome position (GRCh38, 1-based): chr5:128,258,722, A>T on the plus strand (T>A on the coding strand, the complement: FBN2 is on the minus strand). VCF-style: chr5-128258722-A-T. GRCh37 (hg19) VCF-style: chr5-127594414-A-T.
Identifiers: ClinVar variation 350741 (VCV000350741.5), dbSNP rs13305, ClinGen allele CA10618969.

ClinVar aggregate classification (germline): Benign (1 of 4 stars; one submission).

Conditions:
Congenital contractural arachnodactyly (CCA). Also called: BEALS SYNDROME; Beals-Hecht syndrome; Arthrogryposis, distal, type 9. Identifiers: Orphanet 115, MedGen C0220668, MONDO:0007363, OMIM 121050.

Allele frequency attached by ClinVar (database versions not stated): gnomAD exomes 0.15751; 1000 Genomes Project 0.26218; gnomAD 0.26450 and 0.27788; 1000 Genomes Project 30x 0.27108; TOPMed 0.27837.
gnomAD v4.1: 40,055 of 152,650 alleles (26%); highest among the groups gnomAD compares: African/African-American, 63%; 9,219 homozygotes.

Submission:

Illumina Laboratory Services, Illumina
Classification: Benign for Congenital contractural arachnodactyly. Last evaluated: 2018-01-13. Review status: criteria provided, single submitter. Criteria: ICSL Variant Classification Criteria 13 December 2019. Collection method: clinical testing. Allele origin: germline.
Comment: This variant was observed in the ICSL laboratory as part of a predisposition screen in an ostensibly healthy population. It had not been previously curated by ICSL or reported in the Human Gene Mutation Database (HGMD: prior to June 1st, 2018), and was therefore a candidate for classification through an automated scoring system. Utilizing variant allele frequency, disease prevalence and penetrance estimates, and inheritance mode, an automated score was calculated to assess if this variant is too frequent to cause the disease. Based on the score and internal cut-off values, a variant classified as benign is not then subjected to further curation. The score for this variant resulted in a classification of benign for this disease.